The following is an entry in ClinVar:

ClinVar aggregate classification (germline): Likely pathogenic (1 of 4 stars; one submission).

Conditions:
Intellectual developmental disorder, autosomal dominant 70. Identifiers: MedGen C5774271, MONDO:0859333, OMIM 620157.

Submission:

CGC Genetics, Unilabs
Classification: Likely pathogenic for Intellectual developmental disorder, autosomal dominant 70. Last evaluated: 2025-08-27. Review status: criteria provided, single submitter. Criteria: ACMG Guidelines, 2015. Collection method: clinical testing. Allele origin: germline. Inheritance: Autosomal dominant inheritance. Affected: yes. Observed: 1 variant allele.
Comment: The NM_014159.7:c.1886dup p.(Leu630Alafs*3) variant, detected in heterozygosity in exon 3 (of 21) of the SETD2 gene (chr.3), is not described in the literature nor reported in the databases gnomAD and ClinVar. This is a frameshift variant that introduces a premature stop codon, which in turn is predicted to lead to the creation of a truncated protein and/or a reduction of its expression by mRNA degradation. Based on currently available information, this variant should be classified as likely pathogenic.

NM_014159.7(SETD2):c.1886dup (p.Leu630fs)

Gene: SETD2 (SET domain containing 2, histone lysine methyltransferase; minus strand). Cytogenetic location: 3p21.31.
Variant type: Duplication.
Coding change: c.1886dup on transcript NM_014159.7 (MANE Select); coding-DNA position 1886, one base duplicated (A; older notation c.1886dupA).
Protein change: p.Leu630fs; shifts the reading frame from leucine 630.
Molecular consequence: frameshift variant. On other transcripts: non-coding transcript variant (1).
Genome position (GRCh38, 1-based): chr3:47,122,750, T duplicated on the plus strand (A on the coding strand, the reverse complement: SETD2 is on the minus strand); the first of 6 consecutive T bases (chr3:47,122,750-47,122,755); duplicating any one gives the same sequence. VCF-style (leftmost placement, unchanged base first): chr3-47122749-C-CT. GRCh37 (hg19) VCF-style: chr3-47164239-C-CT.
Other names: c.1754dup, p.Leu586fs (NM_001349370.3); short protein forms L586fs, L630fs.
Identifiers: ClinVar variation 4851576 (VCV004851576.1).